The following is an entry in ClinVar:

NM_000543.5(SMPD1):c.1518C>G (p.Tyr506Ter)

Gene: SMPD1 (sphingomyelin phosphodiesterase 1; plus strand). Cytogenetic location: 11p15.4.
Variant type: single nucleotide variant.
Coding change: c.1518C>G on transcript NM_000543.5 (MANE Select); coding-DNA position 1518, C replaced by G.
Protein change: p.Tyr506Ter; replaces tyrosine 506 with a stop codon.
Molecular consequence: nonsense. On other transcripts: 3 prime UTR variant (1), non-coding transcript variant (2).
Genome position (GRCh38, 1-based): chr11:6,394,229, C>G. VCF-style: chr11-6394229-C-G. GRCh37 (hg19) VCF-style: chr11-6415459-C-G.
Other names: c.1515C>G, p.Tyr505Ter (NM_001007593.3); c.*11C>G (NM_001318087.2); c.597C>G, p.Tyr199Ter (NM_001318088.2); c.1386C>G, p.Tyr462Ter (NM_001365135.2); short protein forms Y506*, Y462*, Y199*, Y505*.
Identifiers: ClinVar variation 370493 (VCV000370493.11), dbSNP rs943924098, ClinGen allele CA16041489.

ClinVar aggregate classification (germline): Pathogenic/Likely pathogenic. Review status: criteria provided, multiple submitters, no conflicts (2 of 4 stars). 4 submissions from 4 submitters: Pathogenic (1); Likely pathogenic (2). 1 of the submissions does not count toward it. Last evaluated 2023-09-24.

Conditions:
Niemann-Pick disease, type B. Also called: Chronic Visceral ASMD (Niemann-Pick Disease Type B; NPD-B). Identifiers: Orphanet 77293, MedGen C0268243, MONDO:0011871, OMIM 607616. Disease mechanism: loss of function.
Niemann-Pick disease, type A. Also called: SPHINGOMYELIN LIPIDOSIS; SPHINGOMYELINASE DEFICIENCY; Infantile Neurovisceral ASMD (Niemann-Pick Disease Type A; NPD-A). Identifiers: Orphanet 77292, MedGen C0268242, MONDO:0009756, OMIM 257200. Disease mechanism: loss of function.
Sphingomyelin/cholesterol lipidosis. Also called: Niemann-Pick disease. Identifiers: MedGen C0028064, MONDO:0001982.

Allele frequency attached by ClinVar (database versions not stated): TOPMed 0.00001.

Submissions (4):

Labcorp Genetics (formerly Invitae), Labcorp
Classification: Pathogenic for Niemann-Pick disease, type B; Niemann-Pick disease, type A. Last evaluated: 2023-09-24. Review status: criteria provided, single submitter. Criteria: Invitae Variant Classification Sherloc (09022015). Collection method: clinical testing. Allele origin: germline.
Comment: This sequence change creates a premature translational stop signal (p.Tyr506*) in the SMPD1 gene. While this is not anticipated to result in nonsense mediated decay, it is expected to disrupt the last 126 amino acid(s) of the SMPD1 protein. This variant is not present in population databases (gnomAD no frequency). This variant has not been reported in the literature in individuals affected with SMPD1-related conditions. ClinVar contains an entry for this variant (Variation ID: 370493). This variant disrupts a region of the SMPD1 protein in which other variant(s) (p.His516Arg) have been determined to be pathogenic (PMID: 31122880, 33675270; Invitae). This suggests that this is a clinically significant region of the protein, and that variants that disrupt it are likely to be disease-causing. For these reasons, this variant has been classified as Pathogenic.

Baylor Genetics
Classification: Likely pathogenic for Niemann-Pick disease, type A. Last evaluated: 2023-08-08. Review status: criteria provided, single submitter. Criteria: ACMG Guidelines, 2015. Collection method: clinical testing. Allele origin: unknown.

Women's Health and Genetics/Laboratory Corporation of America, LabCorp
Classification: Likely pathogenic for Sphingomyelin/cholesterol lipidosis. Last evaluated: 2023-01-06. Review status: criteria provided, single submitter. Criteria: LabCorp Variant Classification Summary - May 2015. Collection method: clinical testing. Allele origin: germline.
Comment: Variant summary: SMPD1 c.1518C>G (p.Tyr506X) results in a premature termination codon, predicted to cause a truncation of the encoded protein or absence of the protein due to nonsense mediated decay, which are commonly known mechanisms for disease. Truncations downstream of this position have been classified as pathogenic by our laboratory. The variant was absent in 251394 control chromosomes. To our knowledge, no occurrence of c.1518C>G in individuals affected with Niemann-Pick Disease and no experimental evidence demonstrating its impact on protein function have been reported. However c.1518C>A, which also results in a p.Tyr506X stop-gain, was reported in a homozygous individual with Niemann-Pick disease (PMID: 34273913). One submitter has provided a clinical-significance assessment for this variant to ClinVar after 2014 without evidence for independent evaluation, and classified the variant as likely pathogenic. Based on the evidence outlined above, the variant was classified as likely pathogenic.

Counsyl
Classification: Likely pathogenic for Niemann-Pick disease, type A. Last evaluated: 2016-02-18. Review status: no assertion criteria provided. Collection method: clinical testing. Allele origin: unknown. Not counted in ClinVar's aggregate classification.

Literature cited by the submitters: PubMed 31122880 (cited by Labcorp Genetics (formerly Invitae), Labcorp); PubMed 33675270 (cited by Labcorp Genetics (formerly Invitae), Labcorp).